The following is an entry in ClinVar:

NM_015662.3(IFT172):c.4231G>A (p.Gly1411Ser)

Gene: IFT172 (intraflagellar transport 172; minus strand). Cytogenetic location: 2p23.3.
Variant type: single nucleotide variant.
Coding change: c.4231G>A on transcript NM_015662.3 (MANE Select); coding-DNA position 4231, G replaced by A.
Protein change: p.Gly1411Ser; replaces glycine 1411 with serine.
Molecular consequence: missense variant.
Genome position (GRCh38, 1-based): chr2:27,449,374, C>T on the plus strand (G>A on the coding strand, the complement: IFT172 is on the minus strand). VCF-style: chr2-27449374-C-T. GRCh37 (hg19) VCF-style: chr2-27672241-C-T.
Other names: c.4165G>A, p.Gly1389Ser (NM_001410739.1); short protein forms G1411S, G1389S.
Identifiers: ClinVar variation 4992656 (VCV004992656.1).
Genomic context (GRCh38, chr2:27,449,374, plus strand): 5'-TGCACTTGTCCCACTGGCCCTGCTCCACATACAGGTCCAAAGCAGCTATCACATCCACAC[C>T]CACCAGCTGGGTCAATGGAAGACAGAGTTACAAGAGAAAAGAGATGACATGAGGGAAAGA-3'
Protein context (NP_056477.1, residues 1401-1421): KNQGKVDSLV[Gly1411Ser]VDVIAALDLY

ClinVar aggregate classification (germline): Uncertain significance (1 of 4 stars; one submission).

Conditions:
IFT172-related disorder. Also called: IFT172-related condition; IFT172-related disorders.

Submission:

PreventionGenetics, part of Exact Sciences
Classification: Uncertain significance for IFT172-related condition. Last evaluated: 2025-10-21. Review status: criteria provided, single submitter. Criteria: ACMG Guidelines, 2015. Collection method: clinical testing. Allele origin: germline.
Comment: The IFT172 c.4231G>A variant is predicted to result in the amino acid substitution p.Gly1411Ser. To our knowledge, this variant has not been reported in the literature or in a large population database (gnomAD), indicating this variant is rare. At this time, the clinical significance of this variant is uncertain due to the absence of conclusive functional and genetic evidence.